The following is an entry in ClinVar:

NM_005428.4(VAV1):c.1771G>A (p.Glu591Lys)

Gene: VAV1 (vav guanine nucleotide exchange factor 1; plus strand). Cytogenetic location: 19p13.3.
Variant type: single nucleotide variant.
Coding change: c.1771G>A on transcript NM_005428.4 (MANE Select); coding-DNA position 1771, G replaced by A.
Protein change: p.Glu591Lys; replaces glutamic acid 591 with lysine.
Molecular consequence: missense variant.
Genome position (GRCh38, 1-based): chr19:6,833,947, G>A. VCF-style: chr19-6833947-G-A. GRCh37 (hg19) VCF-style: chr19-6833958-G-A.
Other names: c.1771G>A, p.Glu591Lys (NM_001258206.2); c.1675G>A, p.Glu559Lys (NM_001258207.2); short protein forms E559K, E591K.
Identifiers: ClinVar variation 3005852 (VCV003005852.3), dbSNP rs571091777, ClinGen allele CA9132729.

ClinVar aggregate classification (germline): Uncertain significance (1 of 4 stars; one submission).

Allele frequency attached by ClinVar (database versions not stated): gnomAD 0.00001; gnomAD exomes 0.00004; ExAC 0.00011; 1000 Genomes Project 0.00020; 1000 Genomes Project 30x 0.00031.
gnomAD v4.1: 55 of 1,614,074 alleles (0.0034%); highest among the groups gnomAD compares: South Asian, 0.06%; 1 homozygote.

Submission:

Labcorp Genetics (formerly Invitae), Labcorp
Classification: Uncertain significance. Last evaluated: 2023-09-01. Review status: criteria provided, single submitter. Criteria: Invitae Variant Classification Sherloc (09022015). Collection method: clinical testing. Allele origin: germline.
Comment: In summary, the available evidence is currently insufficient to determine the role of this variant in disease. Therefore, it has been classified as a Variant of Uncertain Significance. Experimental studies have shown that this missense change affects VAV1 function (PMID: 31888228). An algorithm developed to predict the effect of missense changes on protein structure and function (PolyPhen-2) suggests that this variant is likely to be tolerated. This variant has not been reported in the literature in individuals affected with VAV1-related conditions. This variant is present in population databases (rs571091777, gnomAD 0.06%), and has an allele count higher than expected for a pathogenic variant. This sequence change replaces glutamic acid, which is acidic and polar, with lysine, which is basic and polar, at codon 591 of the VAV1 protein (p.Glu591Lys).

Literature cited by the submitters: PubMed 31888228.